The following is an entry in ClinVar:

ClinVar aggregate classification (germline): Uncertain significance (1 of 4 stars; one submission).

Conditions:
Familial hemophagocytic lymphohistiocytosis 5. Also called: STXBP2-Related Familial Hemophagocytic Lymphohistiocytosis (STXBP2-fHLH). Identifiers: Orphanet 540, MedGen C2751293, MONDO:0013135, OMIM 613101.

Allele frequency attached by ClinVar (database versions not stated): gnomAD exomes below 0.00001; TOPMed below 0.00001; gnomAD 0.00001.
gnomAD v4.1: 3 of 1,613,964 alleles (0.00019%); highest among the groups gnomAD compares: East Asian, 0.0045%; no homozygotes.

Submission:

Labcorp Genetics (formerly Invitae), Labcorp
Classification: Uncertain significance for Familial hemophagocytic lymphohistiocytosis 5. Last evaluated: 2022-08-22. Review status: criteria provided, single submitter. Criteria: Invitae Variant Classification Sherloc (09022015). Collection method: clinical testing. Allele origin: germline.
Comment: This sequence change replaces serine, which is neutral and polar, with arginine, which is basic and polar, at codon 313 of the STXBP2 protein (p.Ser313Arg). This variant is not present in population databases (gnomAD no frequency). This variant has not been reported in the literature in individuals affected with STXBP2-related conditions. ClinVar contains an entry for this variant (Variation ID: 961220). Algorithms developed to predict the effect of missense changes on protein structure and function are either unavailable or do not agree on the potential impact of this missense change (SIFT: "Tolerated"; PolyPhen-2: "Probably Damaging"; Align-GVGD: "Class C0"). In summary, the available evidence is currently insufficient to determine the role of this variant in disease. Therefore, it has been classified as a Variant of Uncertain Significance.

NM_006949.4(STXBP2):c.939C>A (p.Ser313Arg)

Gene: STXBP2 (syntaxin binding protein 2; plus strand). Cytogenetic location: 19p13.2.
Variant type: single nucleotide variant.
Coding change: c.939C>A on transcript NM_006949.4 (MANE Select); coding-DNA position 939, C replaced by A.
Protein change: p.Ser313Arg; replaces serine 313 with arginine.
Molecular consequence: missense variant. On other transcripts: non-coding transcript variant (1).
Genome position (GRCh38, 1-based): chr19:7,642,802, C>A. VCF-style: chr19-7642802-C-A. GRCh37 (hg19) VCF-style: chr19-7707688-C-A.
Other names: c.930C>A, p.Ser310Arg (NM_001127396.3); c.972C>A, p.Ser324Arg (NM_001272034.2); short protein forms S310R, S324R, S313R.
Identifiers: ClinVar variation 961220 (VCV000961220.7), dbSNP rs2031948474, ClinGen allele CA403160180.